The following is an entry in ClinVar:

ClinVar aggregate classification (germline): Uncertain significance (1 of 4 stars; one submission).

Conditions:
Xeroderma pigmentosum, group F (XPF). Also called: XERODERMA PIGMENTOSUM VI; XP, GROUP F; XERODERMA PIGMENTOSUM, TYPE F; Xeroderma pigmentosum, type 6; XERODERMA PIGMENTOSUM, COMPLEMENTATION GROUP F; ERCC4-Related Xeroderma Pigmentosum. Identifiers: MedGen C0268140, MONDO:0010215, OMIM 278760.
Cockayne syndrome. Identifiers: Orphanet 191, MedGen C0009207, MONDO:0016006.
Fanconi anemia complementation group Q. Identifiers: Orphanet 84, MedGen C3808988, MONDO:0014108, OMIM 615272.

Allele frequency attached by ClinVar (database versions not stated): gnomAD 0.00001; TOPMed 0.00001.
gnomAD v4.1: 12 of 1,613,970 alleles (0.00074%); highest among the groups gnomAD compares: African/African-American, 0.0027%; no homozygotes.

Submission:

Labcorp Genetics (formerly Invitae), Labcorp
Classification: Uncertain significance for Fanconi anemia complementation group Q; Xeroderma pigmentosum, group F; Cockayne syndrome. Last evaluated: 2017-08-29. Review status: criteria provided, single submitter. Criteria: Invitae Variant Classification Sherloc (09022015). Collection method: clinical testing. Allele origin: germline.
Comment: In summary, the available evidence is currently insufficient to determine the role of this variant in disease. Therefore, it has been classified as a Variant of Uncertain Significance. Algorithms developed to predict the effect of missense changes on protein structure and function do not agree on the potential impact of this missense change (SIFT: "Deleterious"; PolyPhen-2: "Benign"; Align-GVGD: "Class C15"). This variant has not been reported in the literature in individuals with ERCC4-related disease. This variant is not present in population databases (ExAC no frequency). This sequence change replaces aspartic acid with valine at codon 422 of the ERCC4 protein (p.Asp422Val). The aspartic acid residue is weakly conserved and there is a large physicochemical difference between aspartic acid and valine.

NM_005236.3(ERCC4):c.1265A>T (p.Asp422Val)

Gene: ERCC4 (ERCC excision repair 4, endonuclease catalytic subunit; plus strand). Cytogenetic location: 16p13.12.
Variant type: single nucleotide variant.
Coding change: c.1265A>T on transcript NM_005236.3 (MANE Select); coding-DNA position 1265, A replaced by T.
Protein change: p.Asp422Val; replaces aspartic acid 422 with valine.
Molecular consequence: missense variant.
Genome position (GRCh38, 1-based): chr16:13,935,197, A>T. VCF-style: chr16-13935197-A-T. GRCh37 (hg19) VCF-style: chr16-14029054-A-T.
Other names: short protein forms D422V.
Identifiers: ClinVar variation 541250 (VCV000541250.8), dbSNP rs767408205, ClinGen allele CA394809044.
Genomic context (GRCh38, chr16:13,935,197, plus strand): 5'-TATTTTCAGGTCAAGTACTGATTTGTGCAAGTGATGACCGAACATGTTCCCAGCTGAGAG[A>T]CTATATCACTCTTGGAGCGGAGGCCTTCTTATTGAGGCTCTACAGGAAAACCTTTGAGAA-3'
Protein context (NP_005227.1, residues 412-432): SDDRTCSQLR[Asp422Val]YITLGAEAFL